The following is an entry in ClinVar:

NM_001105578.2(SYCE2):c.372C>T (p.Ile124=)

Gene: SYCE2 (synaptonemal complex central element protein 2; minus strand). Cytogenetic location: 19p13.13.
Variant type: single nucleotide variant.
Coding change: c.372C>T on transcript NM_001105578.2 (MANE Select); coding-DNA position 372, C replaced by T.
Protein change: p.Ile124=; no amino-acid change (isoleucine 124 retained).
Molecular consequence: synonymous variant.
Genome position (GRCh38, 1-based): chr19:12,900,583, G>A on the plus strand (C>T on the coding strand, the complement: SYCE2 is on the minus strand). VCF-style: chr19-12900583-G-A. GRCh37 (hg19) VCF-style: chr19-13011397-G-A.
Identifiers: ClinVar variation 3771830 (VCV003771830.13).
Genomic context (GRCh38, chr19:12,900,583, plus strand): 5'-TGTCTCCAAATGGCTGATCTTTGCCATTTTCTGGGTGAACTCTTGGAGCTTTTCCTGGAT[G>A]ATCTTGTTGTGGTCATTATAAATCTGATAGATCCTCTCCTCTAATTTCTCTGTCAGATCC-3'
Protein context (NP_001099048.1, residues 114-134): IYQIYNDHNK[Ile124=]IQEKLQEFTQ

ClinVar aggregate classification (germline): Likely benign (1 of 4 stars; one submission).

gnomAD v4.1: 22 of 1,614,040 alleles (0.0014%); highest among the groups gnomAD compares: Non-Finnish European, 0.00093%; no homozygotes.

Submission:

CeGaT Center for Human Genetics Tuebingen
Classification: Likely benign. Last evaluated: 2024-12-01. Review status: criteria provided, single submitter. Criteria: CeGaT Center For Human Genetics Tuebingen Variant Classification Criteria Version 2. Collection method: clinical testing. Allele origin: germline. Affected: yes. Observed: 1 variant allele.
Comment: SYCE2: BP4, BP7